The following is an entry in ClinVar:

ClinVar aggregate classification (germline): Likely benign. Review status: criteria provided, multiple submitters, no conflicts (2 of 4 stars). 2 submissions from 2 submitters: Likely benign (2). Last evaluated 2025-04-29.

Conditions:
CDH23-related disorder. Also called: CDH23-related disorders; CDH23-related condition.

Allele frequency attached by ClinVar (database versions not stated): gnomAD exomes below 0.00001 and 0.00001; TOPMed below 0.00001; gnomAD 0.00001; ExAC 0.00003; ESP Exome Variant Server 0.00008.
gnomAD v4.1: 7 of 1,601,122 alleles (0.00044%); highest among the groups gnomAD compares: Non-Finnish European, 0.0006%; no homozygotes.

Submissions (2):

PreventionGenetics, part of Exact Sciences
Classification: Likely benign for CDH23-related condition. Last evaluated: 2025-04-29. Review status: criteria provided, single submitter. Criteria: ACMG Guidelines, 2015. Collection method: clinical testing. Allele origin: germline.
Comment: This variant is classified as likely benign based on ACMG/AMP sequence variant interpretation guidelines (Richards et al. 2015 PMID: 25741868, with internal and published modifications).

Labcorp Genetics (formerly Invitae), Labcorp
Classification: Likely benign. Last evaluated: 2024-10-29. Review status: criteria provided, single submitter. Criteria: Invitae Variant Classification Sherloc (09022015). Collection method: clinical testing. Allele origin: germline.

NM_022124.6(CDH23):c.8568C>T (p.Ala2856=)

Gene: CDH23 (cadherin related 23; plus strand). Cytogenetic location: 10q22.1.
Variant type: single nucleotide variant.
Coding change: c.8568C>T on transcript NM_022124.6 (MANE Select); coding-DNA position 8568, C replaced by T.
Protein change: p.Ala2856=; no amino-acid change (alanine 2856 retained).
Molecular consequence: synonymous variant.
Genome position (GRCh38, 1-based): chr10:71,807,853, C>T. VCF-style: chr10-71807853-C-T. GRCh37 (hg19) VCF-style: chr10-73567610-C-T.
Other names: c.1848C>T, p.Ala616= (NM_001171933.1, NM_001171934.1); c.8568C>T (NM_022124.5).
Identifiers: ClinVar variation 1078047 (VCV001078047.10), dbSNP rs377647993, ClinGen allele CA5546692.